The following is an entry in ClinVar:

NM_000212.3(ITGB3):c.1703G>T (p.Cys568Phe)

Gene: ITGB3 (integrin subunit beta 3; plus strand). Cytogenetic location: 17q21.32.
Variant type: single nucleotide variant.
Coding change: c.1703G>T on transcript NM_000212.3 (MANE Select); coding-DNA position 1703, G replaced by T.
Protein change: p.Cys568Phe; replaces cysteine 568 with phenylalanine.
Molecular consequence: missense variant.
Genome position (GRCh38, 1-based): chr17:47,299,320, G>T. VCF-style: chr17-47299320-G-T. GRCh37 (hg19) VCF-style: chr17-45376686-G-T.
Other names: short protein forms C568F.
Identifiers: ClinVar variation 1703876 (VCV001703876.2), dbSNP rs2143129695, ClinGen allele CA400032352.

ClinVar aggregate classification (germline): Uncertain significance (1 of 4 stars; one submission).

Conditions:
Bleeding disorder, platelet-type, 24. Also called: GLANZMANN THROMBASTHENIA-LIKE WITH MACROTHROMBOCYTOPENIA 2. Identifiers: MedGen C5543280, MONDO:0030996, OMIM 619271.

Submission:

ISTH-SSC Genomics in Thrombosis and Hemostasis, KU Leuven, Center for Molecular and Vascular Biology
Classification: Uncertain significance for Bleeding disorder, platelet-type, 24. Review status: criteria provided, single submitter. Criteria: ACMG Guidelines, 2015. Collection method: clinical testing. Allele origin: germline. Affected: yes. Observed: 1 heterozygote.
Comment: Submitted to GoldVariant by Jose María Bastida and José Rivera; Grupo Español de Alteraciones Plaquetarias Congénitas (GEAPC)